The following is an entry in ClinVar:

ClinVar aggregate classification (germline): Uncertain significance. Review status: criteria provided, multiple submitters, no conflicts (2 of 4 stars). 2 submissions from 2 submitters: Uncertain significance (2). Last evaluated 2024-08-21.

Conditions:
Multiple endocrine neoplasia, type 2 (MEN2). Identifiers: Orphanet 653, MedGen C4048306, MONDO:0019003. Disease mechanism: gain of function.
Hereditary cancer-predisposing syndrome. Also called: Tumor predisposition; Hereditary Cancer Syndrome; Hereditary neoplastic syndrome; Neoplastic Syndromes, Hereditary. Identifiers: Orphanet 140162, MedGen C0027672, MeSH D009386, MONDO:0015356.

Allele frequency attached by ClinVar (database versions not stated): gnomAD exomes below 0.00001.
gnomAD v4.1: 1 of 1,614,200 alleles (0.000062%); highest among the groups gnomAD compares: Non-Finnish European, 0.000085%; no homozygotes.

Submissions (2):

Labcorp Genetics (formerly Invitae), Labcorp
Classification: Uncertain significance for Multiple endocrine neoplasia, type 2. Last evaluated: 2024-08-21. Review status: criteria provided, single submitter. Criteria: Invitae Variant Classification Sherloc (09022015). Collection method: clinical testing. Allele origin: germline.
Comment: This sequence change replaces proline, which is neutral and non-polar, with alanine, which is neutral and non-polar, at codon 992 of the RET protein (p.Pro992Ala). This variant is not present in population databases (gnomAD no frequency). This variant has not been reported in the literature in individuals affected with RET-related conditions. ClinVar contains an entry for this variant (Variation ID: 2587884). An algorithm developed to predict the effect of missense changes on protein structure and function (PolyPhen-2) suggests that this variant is likely to be tolerated. In summary, the available evidence is currently insufficient to determine the role of this variant in disease. Therefore, it has been classified as a Variant of Uncertain Significance.

Ambry Genetics
Classification: Uncertain significance for Hereditary cancer-predisposing syndrome. Last evaluated: 2023-08-25. Review status: criteria provided, single submitter. Criteria: Ambry Variant Classification Scheme 2023. Collection method: clinical testing. Allele origin: germline.
Comment: The p.P992A variant (also known as c.2974C>G), located in coding exon 18 of the RET gene, results from a C to G substitution at nucleotide position 2974. The proline at codon 992 is replaced by alanine, an amino acid with highly similar properties. This amino acid position is conserved. In addition, this alteration is predicted to be tolerated by in silico analysis. Since supporting evidence is limited at this time, the clinical significance of this alteration remains unclear.

NM_020975.6(RET):c.2974C>G (p.Pro992Ala)

Gene: RET (ret proto-oncogene; plus strand). Cytogenetic location: 10q11.21.
Variant type: single nucleotide variant.
Coding change: c.2974C>G on transcript NM_020975.6 (MANE Select); coding-DNA position 2974, C replaced by G.
Protein change: p.Pro992Ala; replaces proline 992 with alanine.
Molecular consequence: missense variant.
Genome position (GRCh38, 1-based): chr10:43,124,917, C>G. VCF-style: chr10-43124917-C-G. GRCh37 (hg19) VCF-style: chr10-43620365-C-G.
Other names: c.2974C>G, p.Pro992Ala (NM_000323.2, NM_001406743.1, NM_001406744.1 and 4 more transcripts); c.2212C>G, p.Pro738Ala (NM_001355216.2); c.2845C>G, p.Pro949Ala (NM_001406761.1, NM_001406762.1, NM_001406764.1); c.2839C>G, p.Pro947Ala (NM_001406763.1, NM_001406765.1); c.2686C>G, p.Pro896Ala (NM_001406766.1, NM_001406767.1, NM_001406770.1); c.2710C>G, p.Pro904Ala (NM_001406768.1); c.2578C>G, p.Pro860Ala (NM_001406769.1, NM_001406772.1); c.2536C>G, p.Pro846Ala (NM_001406771.1, NM_001406773.1); and 10 more; short protein forms P597A, P662A, P693A, P738A, P947A, P557A, P750A, P817A.
Identifiers: ClinVar variation 2587884 (VCV002587884.4), dbSNP rs2133016623, ClinGen allele CA376558104.